The following is an entry in ClinVar:

NM_001199753.2(CPT1C):c.1112C>T (p.Pro371Leu)

Gene: CPT1C (carnitine palmitoyltransferase 1C; plus strand). Cytogenetic location: 19q13.33.
Variant type: single nucleotide variant.
Coding change: c.1112C>T on transcript NM_001199753.2 (MANE Select); coding-DNA position 1112, C replaced by T.
Protein change: p.Pro371Leu; replaces proline 371 with leucine.
Molecular consequence: missense variant. On other transcripts: non-coding transcript variant (1).
Genome position (GRCh38, 1-based): chr19:49,706,056, C>T. VCF-style: chr19-49706056-C-T. GRCh37 (hg19) VCF-style: chr19-50209313-C-T.
Other names: c.1079C>T, p.Pro360Leu (NM_001136052.3, NM_001378485.1, NM_001378487.1); c.1112C>T, p.Pro371Leu (NM_001199752.3, NM_001378483.1, NM_001378484.1 and 3 more transcripts); c.1178C>T, p.Pro393Leu (NM_001378482.1); short protein forms P371L, P393L, P360L.
Identifiers: ClinVar variation 862795 (VCV000862795.10), dbSNP rs200075170, ClinGen allele CA9582071.

ClinVar aggregate classification (germline): Uncertain significance (1 of 4 stars; one submission).

Conditions:
Hereditary spastic paraplegia 73. Also called: Spastic paraplegia 73, autosomal dominant. Identifiers: Orphanet 444099, MedGen C5568981, MONDO:0014568, OMIM 616282.

Allele frequency attached by ClinVar (database versions not stated): ExAC 0.00002; gnomAD 0.00003 and 0.00004; gnomAD exomes 0.00003 and 0.00004; TOPMed 0.00004; 1000 Genomes Project 30x 0.00016; 1000 Genomes Project 0.00020.
gnomAD v4.1: 59 of 1,613,880 alleles (0.0037%); highest among the groups gnomAD compares: Admixed American, 0.0067%; no homozygotes.

Submission:

Labcorp Genetics (formerly Invitae), Labcorp
Classification: Uncertain significance for Hereditary spastic paraplegia 73. Last evaluated: 2025-06-10. Review status: criteria provided, single submitter. Criteria: Invitae Variant Classification Sherloc (09022015). Collection method: clinical testing. Allele origin: germline.
Comment: This sequence change replaces proline, which is neutral and non-polar, with leucine, which is neutral and non-polar, at codon 360 of the CPT1C protein (p.Pro360Leu). This variant is present in population databases (rs200075170, gnomAD 0.009%). This variant has not been reported in the literature in individuals affected with CPT1C-related conditions. ClinVar contains an entry for this variant (Variation ID: 862795). Invitae Evidence Modeling of protein sequence and biophysical properties (such as structural, functional, and spatial information, amino acid conservation, physicochemical variation, residue mobility, and thermodynamic stability) indicates that this missense variant is not expected to disrupt CPT1C protein function with a negative predictive value of 80%. In summary, the available evidence is currently insufficient to determine the role of this variant in disease. Therefore, it has been classified as a Variant of Uncertain Significance.